The following is an entry in ClinVar:

ClinVar aggregate classification (germline): Benign/Likely benign. Review status: criteria provided, multiple submitters, no conflicts (2 of 4 stars). 4 submissions from 4 submitters: Benign (1); Likely benign (2). 1 of the submissions does not count toward it. Last evaluated 2025-12-24.

Conditions:
MPDZ-related disorder. Also called: MPDZ-related condition.

Allele frequency attached by ClinVar (database versions not stated): gnomAD exomes 0.00023 and 0.00025; ExAC 0.00030; 1000 Genomes Project 30x 0.00047; 1000 Genomes Project 0.00060; gnomAD 0.00082 and 0.00085; TOPMed 0.00091; ESP Exome Variant Server 0.00149.
gnomAD v4.1: 459 of 1,612,782 alleles (0.028%); highest among the groups gnomAD compares: African/African-American, 0.21%; 1 homozygote.

Submissions (4):

Labcorp Genetics (formerly Invitae), Labcorp
Classification: Benign. Last evaluated: 2025-12-24. Review status: criteria provided, single submitter. Criteria: Invitae Variant Classification Sherloc (09022015). Collection method: clinical testing. Allele origin: germline.

Blueprint Genetics
Classification: Likely benign. Last evaluated: 2023-09-20. Review status: criteria provided, single submitter. Criteria: ACMG Guidelines, 2015. Collection method: clinical testing. Allele origin: germline.

Breakthrough Genomics
Classification: Likely benign. Review status: criteria provided, single submitter. Criteria: ACMG Guidelines, 2015. Collection method: not provided. Allele origin: germline. Inheritance: Autosomal recessive inheritance. Affected: yes.

PreventionGenetics, part of Exact Sciences
Classification: Likely benign for MPDZ-related condition. Last evaluated: 2019-02-24. Review status: no assertion criteria provided. Collection method: clinical testing. Allele origin: germline. Not counted in ClinVar's aggregate classification.
Comment: This variant is classified as likely benign based on ACMG/AMP sequence variant interpretation guidelines (Richards et al. 2015 PMID: 25741868, with internal and published modifications).

NM_001378778.1(MPDZ):c.5724+8G>A

Gene: MPDZ (multiple PDZ domain crumbs cell polarity complex component; minus strand). Cytogenetic location: 9p23.
Variant type: single nucleotide variant.
Coding change: c.5724+8G>A on transcript NM_001378778.1 (MANE Select); 8 bases into the intron after coding-DNA position 5724, G replaced by A.
Molecular consequence: intron variant.
Genome position (GRCh38, 1-based): chr9:13,112,016, C>T on the plus strand (G>A on the coding strand, the complement: MPDZ is on the minus strand). VCF-style: chr9-13112016-C-T. GRCh37 (hg19) VCF-style: chr9-13112015-C-T.
Other names: c.5427+8G>A (NM_001375425.1, NM_001375426.1); c.5514+8G>A (NM_001375420.1, NM_001375423.1, NM_001375424.1 and 2 more transcripts); c.5538+8G>A (NM_001375419.1, NM_001261407.2); c.5625+8G>A (NM_001375416.1, NM_001375418.1, NM_001261406.2 and 1 more transcripts); c.5724+8G>A (NM_001330637.2); c.5316+8G>A (NM_001375427.1); c.5637+8G>A (NM_003829.5); c.5823+8G>A (NM_001375413.1).
Identifiers: ClinVar variation 730900 (VCV000730900.13), dbSNP rs148275773, ClinGen allele CA4986149.